The following is an entry in ClinVar:

NM_000368.5(TSC1):c.272C>G (p.Ser91Trp)

Gene: TSC1 (TSC complex subunit 1; minus strand). Cytogenetic location: 9q34.13.
Variant type: single nucleotide variant.
Coding change: c.272C>G on transcript NM_000368.5 (MANE Select); coding-DNA position 272, C replaced by G.
Protein change: p.Ser91Trp; replaces serine 91 with tryptophan.
Molecular consequence: missense variant. On other transcripts: 5 prime UTR variant (1), intron variant (1).
Genome position (GRCh38, 1-based): chr9:132,925,678, G>C on the plus strand (C>G on the coding strand, the complement: TSC1 is on the minus strand). VCF-style: chr9-132925678-G-C. GRCh37 (hg19) VCF-style: chr9-135801065-G-C.
Other names: c.272C>G, p.Ser91Trp (NM_001162426.2); c.-92C>G (NM_001362177.2); c.210+1523C>G (NM_001162427.2); short protein forms S91W.
Identifiers: ClinVar variation 1413811 (VCV001413811.12), dbSNP rs118203361, ClinGen allele CA375374635.

ClinVar aggregate classification (germline): Uncertain significance. Review status: criteria provided, multiple submitters, no conflicts (2 of 4 stars). 3 submissions from 3 submitters: Uncertain significance (3). Last evaluated 2026-01-07.

Conditions:
Hereditary cancer-predisposing syndrome. Also called: Hereditary neoplastic syndrome; Neoplastic Syndromes, Hereditary; Hereditary Cancer Syndrome; Tumor predisposition. Identifiers: Orphanet 140162, MedGen C0027672, MeSH D009386, MONDO:0015356.
Tuberous sclerosis 1 (TSC1). Identifiers: Orphanet 805, MedGen C1854465, MONDO:0008612, OMIM 191100.

Allele frequency attached by ClinVar (database versions not stated): gnomAD 0.00001.
gnomAD v4.1: 1 of 1,614,086 alleles (0.000062%); highest among the groups gnomAD compares: African/African-American, 0.0013%; no homozygotes.

Submissions (3):

Labcorp Genetics (formerly Invitae), Labcorp
Classification: Uncertain significance for Tuberous sclerosis 1. Last evaluated: 2026-01-07. Review status: criteria provided, single submitter. Criteria: Invitae Variant Classification Sherloc (09022015). Collection method: clinical testing. Allele origin: germline.
Comment: This sequence change replaces serine, which is neutral and polar, with tryptophan, which is neutral and slightly polar, at codon 91 of the TSC1 protein (p.Ser91Trp). This variant is not present in population databases (gnomAD no frequency). This variant has not been reported in the literature in individuals affected with TSC1-related conditions. ClinVar contains an entry for this variant (Variation ID: 1413811). Invitae Evidence Modeling of protein sequence and biophysical properties (such as structural, functional, and spatial information, amino acid conservation, physicochemical variation, residue mobility, and thermodynamic stability) indicates that this missense variant is not expected to disrupt TSC1 protein function with a negative predictive value of 95%. In summary, the available evidence is currently insufficient to determine the role of this variant in disease. Therefore, it has been classified as a Variant of Uncertain Significance.

Ambry Genetics
Classification: Uncertain significance for Hereditary cancer-predisposing syndrome. Last evaluated: 2025-09-09. Review status: criteria provided, single submitter. Criteria: Ambry Variant Classification Scheme 2023. Collection method: clinical testing. Allele origin: germline.
Comment: The p.S91W variant (also known as c.272C>G), located in coding exon 3 of the TSC1 gene, results from a C to G substitution at nucleotide position 272. The serine at codon 91 is replaced by tryptophan, an amino acid with highly dissimilar properties. This amino acid position is conserved. In addition, the in silico prediction for this alteration is inconclusive. Since supporting evidence is limited at this time, the clinical significance of this alteration remains unclear.

GeneDx
Classification: Uncertain significance. Last evaluated: 2025-07-02. Review status: criteria provided, single submitter. Criteria: GeneDx Variant Classification Process June 2021. Collection method: clinical testing. Allele origin: germline. Affected: yes.
Comment: Not observed at significant frequency in large population cohorts (gnomAD); In silico analysis suggests that this missense variant does not alter protein structure/function; Has not been previously published as pathogenic or benign to our knowledge